The following is an entry in ClinVar:

ClinVar aggregate classification (germline): Pathogenic/Likely pathogenic. Review status: criteria provided, multiple submitters, no conflicts (2 of 4 stars). 4 submissions from 4 submitters: Pathogenic (2); Likely pathogenic (2). Last evaluated 2024-11-19.

Conditions:
WFS1-related disorder. Identifiers: MedGen CN379391, MONDO:0700293.
Wolfram syndrome 1 (WFS1). Identifiers: Orphanet 3463, MedGen C4551693, MONDO:0009101, OMIM 222300.
Cataract 41 (CTRCT41). Also called: CATARACT 41, CONGENITAL NUCLEAR TYPE. Identifiers: Orphanet 91492, Orphanet 98991, Orphanet 98992, Orphanet 98995, MedGen C3805412, MONDO:0007287, OMIM 116400.
Type 2 diabetes mellitus. Also called: Type II diabetes mellitus. Identifiers: MedGen C0011860, MeSH D003924, MONDO:0005148, OMIM 125853, HP:0005978.
Autosomal dominant nonsyndromic hearing loss 6 (LFSNHL). Also called: Autosomal dominant nonsyndromic deafness 6; DEAFNESS, AUTOSOMAL DOMINANT 6; DEAFNESS, AUTOSOMAL DOMINANT 14; DEAFNESS, AUTOSOMAL DOMINANT 38. Identifiers: Orphanet 90635, MedGen C1833021, MONDO:0010963, OMIM 600965.
Wolfram-like syndrome. Also called: HEARING LOSS, PROGRESSIVE, WITH OPTIC ATROPHY AND/OR IMPAIRED GLUCOSE REGULATION. Identifiers: Orphanet 411590, MedGen C3280358, MONDO:0013673, OMIM 614296.

Allele frequency attached by ClinVar (database versions not stated): gnomAD exomes below 0.00001; ExAC 0.00002.
gnomAD v4.1: 1 of 1,597,440 alleles (0.000063%); highest among the groups gnomAD compares: Non-Finnish European, 0.000085%; no homozygotes.

Submissions (4):

Labcorp Genetics (formerly Invitae), Labcorp
Classification: Pathogenic. Last evaluated: 2024-11-19. Review status: criteria provided, single submitter. Criteria: Invitae Variant Classification Sherloc (09022015). Collection method: clinical testing. Allele origin: germline.
Comment: This sequence change creates a premature translational stop signal (p.Trp129*) in the WFS1 gene. It is expected to result in an absent or disrupted protein product. Loss-of-function variants in WFS1 are known to be pathogenic (PMID: 12955714). The frequency data for this variant in the population databases is considered unreliable, as metrics indicate poor data quality at this position in the gnomAD database. This premature translational stop signal has been observed in individual(s) with autosomal recessive Wolfram syndrome (PMID: 15277431, 35018440). ClinVar contains an entry for this variant (Variation ID: 1264331). For these reasons, this variant has been classified as Pathogenic.

Fulgent Genetics
Classification: Likely pathogenic for Cataract 41; Type 2 diabetes mellitus; Wolfram syndrome 1; Autosomal dominant nonsyndromic hearing loss 6; Wolfram-like syndrome. Last evaluated: 2022-05-09. Review status: criteria provided, single submitter. Criteria: ACMG Guidelines, 2015. Collection method: clinical testing. Allele origin: unknown.

Blueprint Genetics
Classification: Likely pathogenic for WFS1-related disorders. Last evaluated: 2020-02-11. Review status: criteria provided, single submitter. Criteria: ACMG Guidelines, 2015. Collection method: clinical testing. Allele origin: germline. Affected: yes. Observed: 2 variant alleles.

Molecular Endocrinology Laboratory, Christian Medical College
Classification: Pathogenic for Wolfram syndrome 1. Review status: criteria provided, single submitter. Criteria: ACMG Guidelines, 2015. Collection method: clinical testing. Allele origin: germline. Affected: yes.

Literature cited by the submitters: PubMed 12955714 (cited by Labcorp Genetics (formerly Invitae), Labcorp); PubMed 15277431 (cited by Labcorp Genetics (formerly Invitae), Labcorp); PubMed 35018440 (cited by Labcorp Genetics (formerly Invitae), Labcorp); PubMed 31313226 (cited by Molecular Endocrinology Laboratory, Christian Medical College).

NM_006005.3(WFS1):c.387G>A (p.Trp129Ter)

Gene: WFS1 (wolframin ER transmembrane glycoprotein; plus strand). Cytogenetic location: 4p16.1.
Variant type: single nucleotide variant.
Coding change: c.387G>A on transcript NM_006005.3 (MANE Select); coding-DNA position 387, G replaced by A.
Protein change: p.Trp129Ter; replaces tryptophan 129 with a stop codon.
Molecular consequence: nonsense.
Genome position (GRCh38, 1-based): chr4:6,289,058, G>A. VCF-style: chr4-6289058-G-A. GRCh37 (hg19) VCF-style: chr4-6290785-G-A.
Other names: c.387G>A, p.Trp129Ter (NM_001145853.1); short protein forms W129*.
Identifiers: ClinVar variation 1264331 (VCV001264331.5), dbSNP rs764993824, ClinGen allele CA2838879.
Genomic context (GRCh38, chr4:6,289,058, plus strand): 5'-CTACCTGCAGTTGGCCGGCGACACGGATGAAGAACTCAACAGCTGCACCGCTGTGGACTG[G>A]CTGGTCCTCGCCGCGAAGCAGGGCCGTCGCGAGGCTGTGAAGCTGCTTCGCCGGTGCTTG-3'